The following is an entry in ClinVar:

ClinVar aggregate classification (germline): Likely pathogenic. Review status: criteria provided, multiple submitters, no conflicts (2 of 4 stars). 2 submissions from 2 submitters: Likely pathogenic (2). Last evaluated 2025-02-10.

Conditions:
Deficiency of UDPglucose-hexose-1-phosphate uridylyltransferase. Also called: GALACTOSE-1-PHOSPHATE URIDYLYLTRANSFERASE DEFICIENCY; Transferase Deficiency Galactosemia; GALT deficiency; Galactosemia, classic; GALACTOSEMIA I. Identifiers: Orphanet 352, Orphanet 79239, MedGen C0268151, MONDO:0009258, OMIM 230400.
Galactosemia. Also called: Galactose intolerance. Identifiers: Orphanet 352, MedGen C0016952, MONDO:0018116, HP:0004919. Disease mechanism: loss of function.

Submissions (2):

Natera, Inc.
Classification: Likely pathogenic for Galactosemia. Last evaluated: 2025-02-10. Review status: criteria provided, single submitter. Criteria: Natera Variant Classification Schema (03/2026). Collection method: clinical testing. Allele origin: germline.
Comment: The c.688-1G>C variant in GALT is a canonical splice acceptor site variant predicted to affect pre-mRNA splicing, which may result in an abnormal transcript and altered protein product. This variant is expected to result in nonsense mediated decay, truncation, or a dysfunctional protein product. This variant is rare in the general population with a frequency below the threshold expected for the associated phenotype(s). Given the available evidence, this variant is classified as Likely Pathogenic.

Labcorp Genetics (formerly Invitae), Labcorp
Classification: Likely pathogenic for Deficiency of UDPglucose-hexose-1-phosphate uridylyltransferase. Last evaluated: 2019-05-31. Review status: criteria provided, single submitter. Criteria: Invitae Variant Classification Sherloc (09022015). Collection method: clinical testing. Allele origin: germline.
Comment: In summary, the currently available evidence indicates that the variant is pathogenic, but additional data are needed to prove that conclusively. Therefore, this variant has been classified as Likely Pathogenic. Donor and acceptor splice site variants typically lead to a loss of protein function (PMID: 16199547), and loss-of-function variants in GALT are known to be pathogenic (PMID: 22944367). Algorithms developed to predict the effect of sequence changes on RNA splicing suggest that this variant may disrupt the consensus splice site, but this prediction has not been confirmed by published transcriptional studies. This variant has not been reported in the literature in individuals with GALT-related conditions. This variant is not present in population databases (ExAC no frequency). This sequence change affects an acceptor splice site in intron 7 of the GALT gene. It is expected to disrupt RNA splicing and likely results in an absent or disrupted protein product.

Literature cited by the submitters: PubMed 16199547 (cited by Labcorp Genetics (formerly Invitae), Labcorp); PubMed 22944367 (cited by Labcorp Genetics (formerly Invitae), Labcorp).

NM_000155.4(GALT):c.688-1G>C

Gene: GALT (galactose-1-phosphate uridylyltransferase; plus strand). Cytogenetic location: 9p13.3.
Variant type: single nucleotide variant.
Coding change: c.688-1G>C on transcript NM_000155.4 (MANE Select); the canonical splice acceptor site of the intron before coding-DNA position 688, G replaced by C.
Molecular consequence: splice acceptor variant.
Genome position (GRCh38, 1-based): chr9:34,648,761, G>C. VCF-style: chr9-34648761-G-C. GRCh37 (hg19) VCF-style: chr9-34648758-G-C.
Other names: c.361-1G>C (NM_001258332.2).
Identifiers: ClinVar variation 936098 (VCV000936098.10), dbSNP rs1821175162, ClinGen allele CA373283273.
Genomic context (GRCh38, chr9:34,648,761, plus strand): 5'-GCTGACCACACTCCGGCTCCTATGTCACCTTGATGACTTCCTATCCATTCTGTCTTCCTA[G>C]GAACGTCTGGTCCTAACCAGTGAGCACTGGTTAGTACTGGTCCCCTTCTGGGCAACATGG-3'